The following is an entry in ClinVar:

ClinVar aggregate classification (germline): Uncertain significance (1 of 4 stars; one submission).

Conditions:
Cardiovascular phenotype. Identifiers: MedGen CN230736.

Submission:

Ambry Genetics
Classification: Uncertain significance for Cardiovascular phenotype. Last evaluated: 2023-04-14. Review status: criteria provided, single submitter. Criteria: Ambry Variant Classification Scheme 2023. Collection method: clinical testing. Allele origin: germline.
Comment: The p.L147P variant (also known as c.440T>C), located in coding exon 4 of the RAF1 gene, results from a T to C substitution at nucleotide position 440. The leucine at codon 147 is replaced by proline, an amino acid with similar properties. This amino acid position is conserved. In addition, this alteration is predicted to be deleterious by in silico analysis. Since supporting evidence is limited at this time, the clinical significance of this alteration remains unclear.

NM_002880.4(RAF1):c.440T>C (p.Leu147Pro)

Gene: RAF1 (Raf-1 proto-oncogene, serine/threonine kinase; minus strand). Cytogenetic location: 3p25.2.
Variant type: single nucleotide variant.
Coding change: c.440T>C on transcript NM_002880.4 (MANE Select); coding-DNA position 440, T replaced by C.
Protein change: p.Leu147Pro; replaces leucine 147 with proline.
Molecular consequence: missense variant. On other transcripts: non-coding transcript variant (3).
Genome position (GRCh38, 1-based): chr3:12,608,907, A>G on the plus strand (T>C on the coding strand, the complement: RAF1 is on the minus strand). VCF-style: chr3-12608907-A-G. GRCh37 (hg19) VCF-style: chr3-12650406-A-G.
Other names: c.440T>C, p.Leu147Pro (NM_001354689.3, NM_001354690.3, NM_001354693.3); c.197T>C, p.Leu66Pro (NM_001354691.3, NM_001354692.3, NM_001354694.3 and 1 more transcripts); short protein forms L66P, L147P.
Identifiers: ClinVar variation 2564925 (VCV002564925.2), dbSNP rs2125417070, ClinGen allele CA351517705.